The following is an entry in ClinVar:

ClinVar aggregate classification (germline): Uncertain significance (1 of 4 stars; one submission).

Submission:

Dasa
Classification: Uncertain significance. Last evaluated: 2026-01-20. Review status: criteria provided, single submitter. Criteria: DASA Assertion Criteria. Collection method: clinical testing. Allele origin: germline.
Comment: NM_000138.5(FBN1):c.6617-341C>G is an intronic variant. This variant is rare in population databases. The currently available literature and clinical evidence are not sufficient to establish a definitive association between this variant and the reported condition. Therefore, this variant is classified as a variant of uncertain significance.

NM_000138.5(FBN1):c.6617-341C>G

Gene: FBN1 (fibrillin 1; minus strand). Cytogenetic location: 15q21.1.
Variant type: single nucleotide variant.
Coding change: c.6617-341C>G on transcript NM_000138.5 (MANE Select); 341 bases into the intron before coding-DNA position 6617, C replaced by G.
Molecular consequence: intron variant.
Genome position (GRCh38, 1-based): chr15:48,433,329, G>C on the plus strand (C>G on the coding strand, the complement: FBN1 is on the minus strand). VCF-style: chr15-48433329-G-C. GRCh37 (hg19) VCF-style: chr15-48725526-G-C.
Other names: c.6617-341C>G (NM_001406716.1).
Identifiers: ClinVar variation 4883093 (VCV004883093.2).